The following is an entry in ClinVar:

NM_000276.4(OCRL):c.946C>G (p.Leu316Val)

Gene: OCRL (OCRL inositol polyphosphate-5-phosphatase; plus strand). Cytogenetic location: Xq26.1.
Variant type: single nucleotide variant.
Coding change: c.946C>G on transcript NM_000276.4 (MANE Select); coding-DNA position 946, C replaced by G.
Protein change: p.Leu316Val; replaces leucine 316 with valine.
Molecular consequence: missense variant.
Genome position (GRCh38, 1-based): chrX:129,562,390, C>G. VCF-style: chrX-129562390-C-G. GRCh37 (hg19) VCF-style: chrX-128696367-C-G.
Other names: c.949C>G, p.Leu317Val (NM_001318784.2); c.946C>G, p.Leu316Val (NM_001587.4); short protein forms L316V, L317V.
Identifiers: ClinVar variation 1720500 (VCV001720500.5), dbSNP rs774942676, ClinGen allele CA414552461.

ClinVar aggregate classification (germline): Uncertain significance (1 of 4 stars; one submission).

Conditions:
Lowe syndrome (OCRL). Also called: LOWE OCULOCEREBRORENAL SYNDROME; PHOSPHATIDYLINOSITOL 4,5-BISPHOSPHATE 5-PHOSPHATASE DEFICIENCY; Oculocerebrorenal Syndrome. Identifiers: Orphanet 534, MedGen C0028860, MONDO:0010645, OMIM 309000.

Submission:

Labcorp Genetics (formerly Invitae), Labcorp
Classification: Uncertain significance for Lowe syndrome. Last evaluated: 2022-11-22. Review status: criteria provided, single submitter. Criteria: Invitae Variant Classification Sherloc (09022015). Collection method: clinical testing. Allele origin: germline.
Comment: This variant is not present in population databases (gnomAD no frequency). In summary, the available evidence is currently insufficient to determine the role of this variant in disease. Therefore, it has been classified as a Variant of Uncertain Significance. Advanced modeling of protein sequence and biophysical properties (such as structural, functional, and spatial information, amino acid conservation, physicochemical variation, residue mobility, and thermodynamic stability) performed at Invitae indicates that this missense variant is not expected to disrupt OCRL protein function. This variant has not been reported in the literature in individuals affected with OCRL-related conditions. This sequence change replaces leucine, which is neutral and non-polar, with valine, which is neutral and non-polar, at codon 316 of the OCRL protein (p.Leu316Val).